The following is an entry in ClinVar:

NM_173728.4(ARHGEF15):c.1166C>T (p.Pro389Leu)

Gene: ARHGEF15 (Rho guanine nucleotide exchange factor 15; plus strand). Cytogenetic location: 17p13.1.
Variant type: single nucleotide variant.
Coding change: c.1166C>T on transcript NM_173728.4 (MANE Select); coding-DNA position 1166, C replaced by T.
Protein change: p.Pro389Leu; replaces proline 389 with leucine.
Molecular consequence: missense variant.
Genome position (GRCh38, 1-based): chr17:8,315,183, C>T. VCF-style: chr17-8315183-C-T. GRCh37 (hg19) VCF-style: chr17-8218501-C-T.
Other names: c.1166C>T, p.Pro389Leu (NM_025014.2); short protein forms P389L.
Identifiers: ClinVar variation 1001026 (VCV001001026.9), dbSNP rs1377059025, ClinGen allele CA398019354.

ClinVar aggregate classification (germline): Uncertain significance (1 of 4 stars; one submission).

Conditions:
Early-infantile DEE. Also called: Early infantile epileptic encephalopathy with suppression bursts; Early infantile epileptic encephalopathy; Ohtahara syndrome. Identifiers: Orphanet 1934, MedGen C0393706, MONDO:0800491.

Allele frequency attached by ClinVar (database versions not stated): gnomAD 0.00001; TOPMed 0.00003.
gnomAD v4.1: 3 of 1,613,934 alleles (0.00019%); highest among the groups gnomAD compares: Admixed American, 0.005%; no homozygotes.

Submission:

Labcorp Genetics (formerly Invitae), Labcorp
Classification: Uncertain significance for Early-infantile DEE. Last evaluated: 2025-04-08. Review status: criteria provided, single submitter. Criteria: Invitae Variant Classification Sherloc (09022015). Collection method: clinical testing. Allele origin: germline.
Comment: This sequence change replaces proline, which is neutral and non-polar, with leucine, which is neutral and non-polar, at codon 389 of the ARHGEF15 protein (p.Pro389Leu). This variant is not present in population databases (gnomAD no frequency). This variant has not been reported in the literature in individuals affected with ARHGEF15-related conditions. ClinVar contains an entry for this variant (Variation ID: 1001026). An algorithm developed to predict the effect of missense changes on protein structure and function (PolyPhen-2) suggests that this variant is likely to be disruptive. In summary, the available evidence is currently insufficient to determine the role of this variant in disease. Therefore, it has been classified as a Variant of Uncertain Significance.